The following is an entry in ClinVar:

ClinVar aggregate classification (germline): Uncertain significance. Review status: criteria provided, multiple submitters, no conflicts (2 of 4 stars). 10 submissions from 10 submitters: Uncertain significance (8). 2 of the submissions do not count toward it. Last evaluated 2026-09-22.

Conditions:
CNGB1-related retinopathy. Identifiers: MedGen CN322609, MONDO:0800403.
CNGB1-related disorder. Also called: CNGB1-related condition.
Retinal dystrophy. Also called: Inherited retinal dystrophy. Identifiers: Orphanet 71862, MedGen C0854723, MeSH D058499, MONDO:0019118, HP:0000556.
Retinitis pigmentosa (RP). Identifiers: Orphanet 791, MedGen C0035334, MeSH D012174, MONDO:0019200, OMIM 268000. Inheritance: Autosomal dominant, autosomal recessive and X linked inheritance.

Allele frequency attached by ClinVar (database versions not stated): 1000 Genomes Project 30x 0.00047; gnomAD exomes 0.00051; ExAC 0.00056; 1000 Genomes Project 0.00060; gnomAD 0.00068 and 0.00071; TOPMed 0.00076; ESP Exome Variant Server 0.00087.
gnomAD v4.1: 1,516 of 1,614,194 alleles (0.094%); highest among the groups gnomAD compares: Non-Finnish European, 0.12%; 1 homozygote.

Submissions (10):

PreventionGenetics, part of Exact Sciences
Classification: Uncertain significance for CNGB1-related condition. Last evaluated: 2026-09-22. Review status: criteria provided, single submitter. Criteria: ACMG Guidelines, 2015. Collection method: clinical testing. Allele origin: germline.
Comment: The CNGB1 c.2747G>A variant is predicted to result in the amino acid substitution p.Arg916His. This variant was reported in individuals with retinal disease (Song et al. 2011. PubMed ID: 22025579; supplementary data, Fadaie et al. 2021. PubMed ID: 34795310). This variant is reported in 0.098% of alleles in individuals of European (Non-Finnish) descent in gnomAD. At this time, the clinical significance of this variant is uncertain due to the absence of conclusive functional and genetic evidence.

Women's Health and Genetics/Laboratory Corporation of America, LabCorp
Classification: Uncertain significance. Last evaluated: 2023-12-14. Review status: criteria provided, single submitter. Criteria: LabCorp Variant Classification Summary - May 2015. Collection method: clinical testing. Allele origin: germline.
Comment: Variant summary: CNGB1 c.2747G>A (p.Arg916His) results in a non-conservative amino acid change in the encoded protein sequence. Five of five in-silico tools predict a damaging effect of the variant on protein function. The variant allele was found at a frequency of 0.00051 in 249500 control chromosomes (gnomAD). This frequency is not significantly higher than estimated for a pathogenic variant in CNGB1 causing Retinitis Pigmentosa (0.00051 vs 0.00063), allowing no conclusion about variant significance. c.2747G>A has been reported in the literature in individuals affected with Retinitis Pigmentosa with non informative genotypes (examples: Song_2011, Fadaie_2021). These report(s) do not provide unequivocal conclusions about association of the variant with Retinitis Pigmentosa. To our knowledge, no experimental evidence demonstrating an impact on protein function has been reported. The following publications have been ascertained in the context of this evaluation (PMID: 34795310, 22025579). Four submitters have cited clinical-significance assessments for this variant to ClinVar after 2014 and classified the variant as VUS (n=3) or likely pathogenic (n=1). Based on the evidence outlined above, the variant was classified as uncertain significance.

Labcorp Genetics (formerly Invitae), Labcorp
Classification: Uncertain significance. Last evaluated: 2022-10-25. Review status: criteria provided, single submitter. Criteria: Invitae Variant Classification Sherloc (09022015). Collection method: clinical testing. Allele origin: germline.
Comment: This sequence change replaces arginine, which is basic and polar, with histidine, which is basic and polar, at codon 916 of the CNGB1 protein (p.Arg916His). This variant is present in population databases (rs137853902, gnomAD 0.1%), and has an allele count higher than expected for a pathogenic variant. This missense change has been observed in individual(s) with retinitis pigmentosa (PMID: 22025579). ClinVar contains an entry for this variant (Variation ID: 100568). Advanced modeling of protein sequence and biophysical properties (such as structural, functional, and spatial information, amino acid conservation, physicochemical variation, residue mobility, and thermodynamic stability) performed at Invitae indicates that this missense variant is expected to disrupt CNGB1 protein function. In summary, the available evidence is currently insufficient to determine the role of this variant in disease. Therefore, it has been classified as a Variant of Uncertain Significance.

Department of Pathology and Laboratory Medicine, Sinai Health System
Classification: Uncertain significance for CNGB1-related retinopathy. Last evaluated: 2022-10-03. Review status: criteria provided, single submitter. Criteria: ACMG Guidelines, 2015. Collection method: research. Allele origin: germline.

Illumina Laboratory Services, Illumina
Classification: Uncertain significance for Retinitis pigmentosa. Last evaluated: 2017-04-27. Review status: criteria provided, single submitter. Criteria: ICSL Variant Classification Criteria 13 December 2019. Collection method: clinical testing. Allele origin: germline.

Eurofins Ntd Llc (ga)
Classification: Uncertain significance. Last evaluated: 2017-02-21. Review status: criteria provided, single submitter. Criteria: EGL Classification Definitions 2015. Collection method: clinical testing. Allele origin: germline. Observed: 1 variant allele, 1 heterozygote.

Institute of Human Genetics, Univ. Regensburg, Univ. Regensburg
Classification: Uncertain significance for Retinal dystrophy. Last evaluated: 2017-01-01. Review status: criteria provided, single submitter. Criteria: ACMG Guidelines, 2015. Collection method: clinical testing. Allele origin: germline. Affected: yes.

Breakthrough Genomics
Classification: Uncertain significance. Review status: criteria provided, single submitter. Criteria: ACMG Guidelines, 2015. Collection method: not provided. Allele origin: germline. Inheritance: Autosomal recessive inheritance. Affected: yes.

NEI Ophthalmic Genomics Laboratory, National Institutes of Health
No classification provided. Review status: no classification provided. Collection method: not provided. Allele origin: not provided. Not counted in ClinVar's aggregate classification.

Department of Clinical Genetics, Copenhagen University Hospital, Rigshospitalet
Classification: Likely pathogenic for Retinitis pigmentosa. Last evaluated: 2018-04-01. Review status: flagged submission. Collection method: research. Allele origin: unknown. Affected: yes. Study: VeluxRD. Not counted in ClinVar's aggregate classification.
ClinVar note: Reason: Outlier claim with insufficient supporting evidence

Literature cited by the submitters: PubMed 22025579 (cited by 3 submitters); PubMed 34795310 (cited by Women's Health and Genetics/Laboratory Corporation of America, LabCorp); PubMed 3442652 (cited by Institute of Human Genetics, Univ. Regensburg, Univ. Regensburg); PubMed 30718709 (cited by Department of Clinical Genetics, Copenhagen University Hospital, Rigshospitalet).

NM_001297.5(CNGB1):c.2747G>A (p.Arg916His)

Gene: CNGB1 (cyclic nucleotide gated channel subunit beta 1; minus strand). Cytogenetic location: 16q21.
Variant type: single nucleotide variant.
Coding change: c.2747G>A on transcript NM_001297.5 (MANE Select); coding-DNA position 2747, G replaced by A.
Protein change: p.Arg916His; replaces arginine 916 with histidine.
Molecular consequence: missense variant.
Genome position (GRCh38, 1-based): chr16:57,903,869, C>T on the plus strand (G>A on the coding strand, the complement: CNGB1 is on the minus strand). VCF-style: chr16-57903869-C-T. GRCh37 (hg19) VCF-style: chr16-57937773-C-T.
Other names: c.2729G>A, p.Arg910His (NM_001286130.2); short protein forms R916H, R910H.
Identifiers: ClinVar variation 100568 (VCV000100568.19), dbSNP rs137853902, ClinGen allele CA228894.